The following is an entry in ClinVar:

ClinVar aggregate classification (germline): Pathogenic/Likely pathogenic. Review status: criteria provided, multiple submitters, no conflicts (2 of 4 stars). 2 submissions from 2 submitters: Pathogenic (1); Likely pathogenic (1). Last evaluated 2025-12-09.

Conditions:
Duchenne muscular dystrophy (DMD). Also called: MUSCULAR DYSTROPHY, PSEUDOHYPERTROPHIC PROGRESSIVE, DUCHENNE TYPE; Duchenne Muscular Dystrophy (DMD). Identifiers: Orphanet 98896, MedGen C0013264, MONDO:0010679, OMIM 310200.

Submissions (2):

3billion
Classification: Pathogenic for Duchenne muscular dystrophy. Last evaluated: 2025-12-09. Review status: criteria provided, single submitter. Criteria: ACMG Guidelines, 2015. Collection method: clinical testing. Allele origin: germline. Affected: yes.
Comment: The variant is not observed in the gnomAD v4.1.0 dataset. Predicted Consequence/Location: Stop-gained (nonsense): predicted to result in a loss or disruption of normal protein function through nonsense-mediated decay (NMD) or protein truncation. Multiple pathogenic variants are reported downstream of the variant. The variant has been reported to be associated with DMD-related disorder (ClinVar ID: VCV001322213 /PMID: 17259292). Therefore, this variant is classified as Pathogenic according to the recommendation of ACMG/AMP guideline.

Revvity Omics, Revvity
Classification: Likely pathogenic. Last evaluated: 2022-12-08. Review status: criteria provided, single submitter. Criteria: ACMG Guidelines, 2015. Collection method: clinical testing. Allele origin: germline.

Literature cited by the submitters: PubMed 17259292 (cited by 3billion).

NM_004006.3(DMD):c.907C>T (p.Gln303Ter)

Gene: DMD (dystrophin; minus strand). Cytogenetic location: Xp21.1.
Variant type: single nucleotide variant.
Coding change: c.907C>T on transcript NM_004006.3 (MANE Select); coding-DNA position 907, C replaced by T.
Protein change: p.Gln303Ter; replaces glutamine 303 with a stop codon.
Molecular consequence: nonsense.
Genome position (GRCh38, 1-based): chrX:32,697,923, G>A on the plus strand (C>T on the coding strand, the complement: DMD is on the minus strand). VCF-style: chrX-32697923-G-A. GRCh37 (hg19) VCF-style: chrX-32716040-G-A.
Other names: c.883C>T, p.Gln295Ter (NM_000109.4); c.895C>T, p.Gln299Ter (NM_004009.3); c.538C>T, p.Gln180Ter (NM_004010.3); short protein forms Q180*, Q295*, Q299*, Q303*.
Identifiers: ClinVar variation 1322213 (VCV001322213.5), dbSNP rs769389263, ClinGen allele CA412668525.